The following is an entry in ClinVar:

NC_000012.11:g.(?_21997397)_(21998786_?)del

Gene: ABCC9 (ATP binding cassette subfamily C member 9; minus strand). Cytogenetic location: 12p12.1.
Variant type: Deletion.
Identifiers: ClinVar variation 3244305 (VCV003244305.1).

ClinVar aggregate classification (germline): Uncertain significance (1 of 4 stars; one submission).

Conditions:
Dilated cardiomyopathy 1O (CMD1O). Also called: CARDIOMYOPATHY, DILATED, WITH VENTRICULAR TACHYCARDIA. Identifiers: Orphanet 154, MedGen C1837839, MONDO:0012062, OMIM 608569.

Submission:

Labcorp Genetics (formerly Invitae), Labcorp
Classification: Uncertain significance for Dilated cardiomyopathy 1O. Last evaluated: 2023-06-27. Review status: criteria provided, single submitter. Criteria: Invitae Variant Classification Sherloc (09022015). Collection method: clinical testing. Allele origin: unknown.
Comment: In summary, the available evidence is currently insufficient to determine the role of this variant in disease. Therefore, it has been classified as a Variant of Uncertain Significance. Experimental studies and prediction algorithms are not available or were not evaluated, and the functional significance of this variant is currently unknown. This variant has not been reported in the literature in individuals affected with ABCC9-related conditions. This variant is a gross deletion of the genomic region encompassing exon(s) 24-26 of the ABCC9 gene. This deletion is out-of-frame, and is expected to create a premature translational stop signal and result in an absent or disrupted protein product. However, the current clinical and genetic evidence is not sufficient to establish whether loss-of-function variants in ABCC9 cause disease.